The following is an entry in ClinVar:

NM_001352514.2(HLCS):c.494-13A>G

Gene: HLCS (holocarboxylase synthetase; minus strand). Cytogenetic location: 21q22.13.
Variant type: single nucleotide variant.
Coding change: c.494-13A>G on transcript NM_001352514.2 (MANE Select); 13 bases into the intron before coding-DNA position 494, A replaced by G.
Molecular consequence: intron variant.
Genome position (GRCh38, 1-based): chr21:36,937,405, T>C on the plus strand (A>G on the coding strand, the complement: HLCS is on the minus strand). VCF-style: chr21-36937405-T-C. GRCh37 (hg19) VCF-style: chr21-38309705-T-C.
Other names: c.53-13A>G (NM_001352517.1, NM_001242785.2, NM_001352515.2 and 4 more transcripts).
Identifiers: ClinVar variation 203758 (VCV000203758.12), dbSNP rs76785742, ClinGen allele CA312602.
Genomic context (GRCh38, chr21:36,937,405, plus strand): 5'-AGACCTGATCCTTAACTTCCTTCAGAGTGGAGTCCTGCAAGTGCACCGCTAAGGCATGAA[T>C]AGGAGAGAGAGACAGAAAATTAATCAACACTTCTTGTATGACACATAGCTCATCTCAAGA-3'

ClinVar aggregate classification (germline): Benign. Review status: criteria provided, multiple submitters, no conflicts (2 of 4 stars). 3 submissions from 3 submitters: Benign (3). Last evaluated 2026-02-02.

Conditions:
Holocarboxylase synthetase deficiency. Also called: MULTIPLE CARBOXYLASE DEFICIENCY, EARLY ONSET. Identifiers: Orphanet 79242, MedGen C0268581, MONDO:0009666, OMIM 253270.

Allele frequency attached by ClinVar (database versions not stated): gnomAD exomes 0.00068 and 0.00184; ExAC 0.00238; gnomAD 0.00698 and 0.00759; TOPMed 0.00818; 1000 Genomes Project 0.01118; 1000 Genomes Project 30x 0.01140.
gnomAD v4.1: 2,119 of 1,604,402 alleles (0.13%); highest among the groups gnomAD compares: African/African-American, 2.3%; 25 homozygotes.

Submissions (5):

Labcorp Genetics (formerly Invitae), Labcorp
Classification: Benign for Holocarboxylase synthetase deficiency. Last evaluated: 2026-02-02. Review status: criteria provided, single submitter. Criteria: Invitae Variant Classification Sherloc (09022015). Collection method: clinical testing. Allele origin: germline.

GeneDx
Classification: Benign. Last evaluated: 2014-10-29. Review status: criteria provided, single submitter. Criteria: GeneDx Variant Classification (06012015). Collection method: clinical testing. Allele origin: germline. Affected: yes.
Comment: This variant is considered likely benign or benign based on one or more of the following criteria: it is a conservative change, it occurs at a poorly conserved position in the protein, it is predicted to be benign by multiple in silico algorithms, and/or has population frequency not consistent with disease.

Breakthrough Genomics
Classification: Benign. Review status: criteria provided, single submitter. Criteria: ACMG Guidelines, 2015. Collection method: not provided. Allele origin: germline. Inheritance: Autosomal recessive inheritance. Affected: yes.

Dr. Peter K. Rogan Lab, Western University
No classification provided (evidence only). Condition: Uterine corpus endometrial carcinoma. Review status: no classification provided. Collection method: in vitro. Allele origin: not applicable. Functional consequence: retained intron. Not counted in ClinVar's aggregate classification.

Dr. Peter K. Rogan Lab, Western University
No classification provided (evidence only). Condition: Ovarian serous cystadenocarcinoma. Review status: no classification provided. Collection method: in vitro. Allele origin: not applicable. Functional consequence: retained intron. Not counted in ClinVar's aggregate classification.